The following is an entry in ClinVar:

NM_007194.4(CHEK2):c.1364del (p.Val455fs)

Gene: CHEK2 (checkpoint kinase 2; minus strand). Cytogenetic location: 22q12.1.
Variant type: Deletion.
Coding change: c.1364del on transcript NM_007194.4 (MANE Select); coding-DNA position 1364, one base deleted (T; older notation c.1364delT).
Protein change: p.Val455fs; shifts the reading frame from valine 455.
Molecular consequence: frameshift variant.
Genome position (GRCh38, 1-based): chr22:28,695,138, A deleted on the plus strand (T on the coding strand, the reverse complement: CHEK2 is on the minus strand). VCF-style (leftmost placement, unchanged base first): chr22-28695137-GA-G. GRCh37 (hg19) VCF-style: chr22-29091125-GA-G.
Other names: c.1493delT, p.Val498Alafs (NM_001005735.3); c.701delT, p.Val234Alafs (NM_001257387.3); c.1163delT, p.Val388Alafs (NM_001349956.3); c.1277delT, p.Val426Alafs (NM_145862.3); short protein forms V234fs, V426fs, V455fs, V388fs, V498fs.
Identifiers: ClinVar variation 1770902 (VCV001770902.2), dbSNP rs2517795107, ClinGen allele CA2580099402.

ClinVar aggregate classification (germline): Pathogenic (1 of 4 stars; one submission).

Conditions:
Hereditary cancer-predisposing syndrome. Also called: Hereditary Cancer Syndrome; Hereditary neoplastic syndrome; Neoplastic Syndromes, Hereditary; Tumor predisposition. Identifiers: Orphanet 140162, MedGen C0027672, MeSH D009386, MONDO:0015356.

Submission:

Ambry Genetics
Classification: Pathogenic for Hereditary cancer-predisposing syndrome. Last evaluated: 2022-09-01. Review status: criteria provided, single submitter. Criteria: Ambry Variant Classification Scheme 2023. Collection method: clinical testing. Allele origin: germline.
Comment: The c.1364delT variant, located in coding exon 11 of the CHEK2 gene, results from a deletion of one nucleotide at nucleotide position 1364, causing a translational frameshift with a predicted alternate stop codon (p.V455Afs*14). This variant is considered to be rare based on population cohorts in the Genome Aggregation Database (gnomAD). This alteration is expected to result in loss of function by premature protein truncation or nonsense-mediated mRNA decay. As such, this alteration is interpreted as a disease-causing mutation.